The following is an entry in ClinVar:

NM_001205293.3(CACNA1E):c.4258G>A (p.Ala1420Thr)

Gene: CACNA1E (calcium voltage-gated channel subunit alpha1 E; plus strand). Cytogenetic location: 1q25.3.
Variant type: single nucleotide variant.
Coding change: c.4258G>A on transcript NM_001205293.3 (MANE Select); coding-DNA position 4258, G replaced by A.
Protein change: p.Ala1420Thr; replaces alanine 1420 with threonine.
Molecular consequence: missense variant.
Genome position (GRCh38, 1-based): chr1:181,757,055, G>A. VCF-style: chr1-181757055-G-A. GRCh37 (hg19) VCF-style: chr1-181726191-G-A.
Other names: c.4258G>A (NM_000721.3); c.4258G>A, p.Ala1420Thr (NM_000721.4); c.4201G>A, p.Ala1401Thr (NM_001205294.2); short protein forms A1401T, A1420T.
Identifiers: ClinVar variation 1506075 (VCV001506075.7), dbSNP rs2102689581, ClinGen allele CA343624439.

ClinVar aggregate classification (germline): Conflicting classifications of pathogenicity. Review status: criteria provided, conflicting classifications (1 of 4 stars). 2 submissions from 2 submitters: Pathogenic (1); Uncertain significance (1). Last evaluated 2026-01-21.

Submissions (2):

GeneDx
Classification: Pathogenic. Last evaluated: 2026-01-21. Review status: criteria provided, single submitter. Criteria: GeneDx Variant Classification Process June 2021. Collection method: clinical testing. Allele origin: germline.
Comment: Not observed at significant frequency in large population cohorts (gnomAD); In silico analysis supports that this missense variant has a deleterious effect on protein structure/function; Has not been previously published as pathogenic or benign to our knowledge; This variant is associated with the following publications: (PMID: 30343943)

Labcorp Genetics (formerly Invitae), Labcorp
Classification: Uncertain significance. Last evaluated: 2025-09-08. Review status: criteria provided, single submitter. Criteria: Invitae Variant Classification Sherloc (09022015). Collection method: clinical testing. Allele origin: germline.
Comment: This sequence change replaces alanine, which is neutral and non-polar, with threonine, which is neutral and polar, at codon 1420 of the CACNA1E protein (p.Ala1420Thr). This variant is not present in population databases (gnomAD no frequency). This variant has not been reported in the literature in individuals affected with CACNA1E-related conditions. ClinVar contains an entry for this variant (Variation ID: 1506075). Invitae Evidence Modeling of protein sequence and biophysical properties (such as structural, functional, and spatial information, amino acid conservation, physicochemical variation, residue mobility, and thermodynamic stability) has been performed for this missense variant. However, the output from this modeling did not meet the statistical confidence thresholds required to predict the impact of this variant on CACNA1E protein function. In summary, the available evidence is currently insufficient to determine the role of this variant in disease. Therefore, it has been classified as a Variant of Uncertain Significance.